The following is an entry in ClinVar:

NM_000246.4(CIITA):c.1327C>T (p.Pro443Ser)

Gene: CIITA (class II major histocompatibility complex transactivator; plus strand). Cytogenetic location: 16p13.13.
Variant type: single nucleotide variant.
Coding change: c.1327C>T on transcript NM_000246.4 (MANE Select); coding-DNA position 1327, C replaced by T.
Protein change: p.Pro443Ser; replaces proline 443 with serine.
Molecular consequence: missense variant. On other transcripts: intron variant (1).
Genome position (GRCh38, 1-based): chr16:10,906,819, C>T. VCF-style: chr16-10906819-C-T. GRCh37 (hg19) VCF-style: chr16-11000676-C-T.
Other names: c.1330C>T, p.Pro444Ser (NM_001286402.1, NM_001379332.1); c.1183C>T, p.Pro395Ser (NM_001379330.1); c.1180C>T, p.Pro394Ser (NM_001379331.1); c.1327C>T, p.Pro443Ser (NM_001379333.1); c.1258C>T, p.Pro420Ser (NM_001379334.1); c.859+2007C>T (NM_001286403.2); short protein forms P395S, P443S, P420S, P444S, P394S.
Identifiers: ClinVar variation 950765 (VCV000950765.11), dbSNP rs1465699067, ClinGen allele CA394730268.

ClinVar aggregate classification (germline): Uncertain significance. Review status: criteria provided, multiple submitters, no conflicts (2 of 4 stars). 3 submissions from 3 submitters: Uncertain significance (2). 1 of the submissions does not count toward it. Last evaluated 2025-05-13.

Conditions:
Inborn genetic diseases. Identifiers: MedGen C0950123, MeSH D030342.
MHC class II deficiency. Also called: Bare lymphocyte syndrome 2; BLS, TYPE II. Identifiers: Orphanet 572, MedGen C5447452, MONDO:0008855.

Allele frequency attached by ClinVar (database versions not stated): gnomAD exomes below 0.00001 and 0.00001.
gnomAD v4.1: 5 of 1,612,846 alleles (0.00031%); highest among the groups gnomAD compares: Admixed American, 0.0067%; no homozygotes.

Submissions (3):

Ambry Genetics
Classification: Uncertain significance for Inborn genetic diseases. Last evaluated: 2025-05-13. Review status: criteria provided, single submitter. Criteria: Ambry Variant Classification Scheme 2023. Collection method: clinical testing. Allele origin: germline.

Labcorp Genetics (formerly Invitae), Labcorp
Classification: Uncertain significance for MHC class II deficiency. Last evaluated: 2022-06-03. Review status: criteria provided, single submitter. Criteria: Invitae Variant Classification Sherloc (09022015). Collection method: clinical testing. Allele origin: germline.
Comment: This sequence change replaces proline, which is neutral and non-polar, with serine, which is neutral and polar, at codon 443 of the CIITA protein (p.Pro443Ser). This variant is present in population databases (no rsID available, gnomAD 0.009%). This variant has not been reported in the literature in individuals affected with CIITA-related conditions. ClinVar contains an entry for this variant (Variation ID: 950765). Algorithms developed to predict the effect of missense changes on protein structure and function are either unavailable or do not agree on the potential impact of this missense change (SIFT: "Tolerated"; PolyPhen-2: "Possibly Damaging"; Align-GVGD: "Class C0"). In summary, the available evidence is currently insufficient to determine the role of this variant in disease. Therefore, it has been classified as a Variant of Uncertain Significance.

Natera, Inc.
Classification: Uncertain significance for Bare lymphocyte syndrome type II. Last evaluated: 2020-08-15. Review status: no assertion criteria provided. Collection method: clinical testing. Allele origin: germline. Not counted in ClinVar's aggregate classification.